The following is an entry in ClinVar:

NM_007254.4(PNKP):c.33G>T (p.Trp11Cys)

Gene: PNKP (polynucleotide kinase 3'-phosphatase; minus strand). Cytogenetic location: 19q13.33.
Variant type: single nucleotide variant.
Coding change: c.33G>T on transcript NM_007254.4 (MANE Select); coding-DNA position 33, G replaced by T.
Protein change: p.Trp11Cys; replaces tryptophan 11 with cysteine.
Molecular consequence: missense variant.
Genome position (GRCh38, 1-based): chr19:49,867,172, C>A on the plus strand (G>T on the coding strand, the complement: PNKP is on the minus strand). VCF-style: chr19-49867172-C-A. GRCh37 (hg19) VCF-style: chr19-50370429-C-A.
Other names: short protein forms W11C.
Identifiers: ClinVar variation 957080 (VCV000957080.9), dbSNP rs577282123, ClinGen allele CA406893873.

ClinVar aggregate classification (germline): Uncertain significance (1 of 4 stars; one submission).

Conditions:
Developmental and epileptic encephalopathy, 12 (DEE12). Identifiers: MedGen C3150988, MONDO:0013389, OMIM 613722.

Allele frequency attached by ClinVar (database versions not stated): gnomAD exomes below 0.00001.
gnomAD v4.1: 1 of 1,612,090 alleles (0.000062%); highest among the groups gnomAD compares: Admixed American, 0.0017%; no homozygotes.

Submission:

Labcorp Genetics (formerly Invitae), Labcorp
Classification: Uncertain significance for Developmental and epileptic encephalopathy, 12. Last evaluated: 2022-08-09. Review status: criteria provided, single submitter. Criteria: Invitae Variant Classification Sherloc (09022015). Collection method: clinical testing. Allele origin: germline.
Comment: This sequence change replaces tryptophan, which is neutral and slightly polar, with cysteine, which is neutral and slightly polar, at codon 11 of the PNKP protein (p.Trp11Cys). The frequency data for this variant in the population databases is considered unreliable, as metrics indicate poor data quality at this position in the gnomAD database. This variant has not been reported in the literature in individuals affected with PNKP-related conditions. ClinVar contains an entry for this variant (Variation ID: 957080). Algorithms developed to predict the effect of missense changes on protein structure and function are either unavailable or do not agree on the potential impact of this missense change (SIFT: "Deleterious"; PolyPhen-2: "Probably Damaging"; Align-GVGD: "Class C0"). In summary, the available evidence is currently insufficient to determine the role of this variant in disease. Therefore, it has been classified as a Variant of Uncertain Significance.